The following is an entry in ClinVar:

ClinVar aggregate classification (germline): Uncertain significance (1 of 4 stars; one submission).

Allele frequency attached by ClinVar (database versions not stated): gnomAD exomes below 0.00001 and 0.00001; ExAC 0.00002.
gnomAD v4.1: 1 of 1,614,136 alleles (0.000062%); highest among the groups gnomAD compares: Non-Finnish European, 0.000085%; no homozygotes.

Submission:

GeneDx
Classification: Uncertain significance. Last evaluated: 2020-07-29. Review status: criteria provided, single submitter. Criteria: GeneDx Variant Classification Process June 2021. Collection method: clinical testing. Allele origin: germline. Affected: yes.
Comment: Not observed at a significant frequency in large population cohorts (Lek et al., 2016); In silico analysis supports that this missense variant does not alter protein structure/function; Has not been previously published as pathogenic or benign to our knowledge

NM_006514.4(SCN10A):c.2435A>C (p.Asn812Thr)

Gene: SCN10A (sodium voltage-gated channel alpha subunit 10; minus strand). Cytogenetic location: 3p22.2.
Variant type: single nucleotide variant.
Coding change: c.2435A>C on transcript NM_006514.4 (MANE Select); coding-DNA position 2435, A replaced by C.
Protein change: p.Asn812Thr; replaces asparagine 812 with threonine.
Molecular consequence: missense variant.
Genome position (GRCh38, 1-based): chr3:38,728,747, T>G on the plus strand (A>C on the coding strand, the complement: SCN10A is on the minus strand). VCF-style: chr3-38728747-T-G. GRCh37 (hg19) VCF-style: chr3-38770238-T-G.
Other names: c.2435A>C, p.Asn812Thr (NM_001293306.2); c.2141A>C, p.Asn714Thr (NM_001293307.2); short protein forms N714T, N812T.
Identifiers: ClinVar variation 1312968 (VCV001312968.2), dbSNP rs756992674, ClinGen allele CA2320546.